The following is an entry in ClinVar:

ClinVar aggregate classification (germline): Pathogenic (1 of 4 stars; one submission).

Conditions:
Mendelian susceptibility to mycobacterial diseases due to complete IL12RB1 deficiency. Also called: IL12RB1 DEFICIENCY; Immunodeficiency 30. Identifiers: Orphanet 319552, MedGen C4013949, MONDO:0013955, OMIM 614891.

Submission:

Labcorp Genetics (formerly Invitae), Labcorp
Classification: Pathogenic for Mendelian susceptibility to mycobacterial diseases due to complete IL12RB1 deficiency. Last evaluated: 2025-10-26. Review status: criteria provided, single submitter. Criteria: Invitae Variant Classification Sherloc (09022015). Collection method: clinical testing. Allele origin: germline.
Comment: This sequence change creates a premature translational stop signal (p.Ser508Trpfs*37) in the IL12RB1 gene. It is expected to result in an absent or disrupted protein product. Loss-of-function variants in IL12RB1 are known to be pathogenic (PMID: 9603733, 12591909). This variant is not present in population databases (gnomAD no frequency). This variant has not been reported in the literature in individuals affected with IL12RB1-related conditions. For these reasons, this variant has been classified as Pathogenic.

Literature cited by the submitters: PubMed 9603733; PubMed 12591909.

NM_005535.3(IL12RB1):c.1522_1523del (p.Ser508fs)

Gene: IL12RB1 (interleukin 12 receptor subunit beta 1; minus strand). Cytogenetic location: 19p13.11.
Variant type: Deletion.
Coding change: c.1522_1523del on transcript NM_005535.3 (MANE Select); coding-DNA positions 1522 to 1523, 2 bases deleted (AG; older notation c.1522_1523delAG).
Protein change: p.Ser508fs; shifts the reading frame from serine 508.
Molecular consequence: frameshift variant.
Genome position (GRCh38, 1-based): chr19:18,063,971-18,063,972, CT deleted on the plus strand (AG on the coding strand, the reverse complement: IL12RB1 is on the minus strand). VCF-style (leftmost placement, unchanged base first): chr19-18063970-ACT-A. GRCh37 (hg19) VCF-style: chr19-18174780-ACT-A.
Other names: c.1522_1523del, p.Ser508fs (NM_001290023.2); c.1642_1643del, p.Ser548fs (NM_001290024.2); c.1543_1544del, p.Ser515fs (NM_001440424.1, NM_001440425.1); short protein forms S515fs, S548fs, S508fs.
Identifiers: ClinVar variation 4723712 (VCV004723712.1).